The following is an entry in ClinVar:

ClinVar aggregate classification (germline): Uncertain significance (1 of 4 stars; one submission).

Submission:

Labcorp Genetics (formerly Invitae), Labcorp
Classification: Uncertain significance. Last evaluated: 2025-02-15. Review status: criteria provided, single submitter. Criteria: Invitae Variant Classification Sherloc (09022015). Collection method: clinical testing. Allele origin: germline.
Comment: This sequence change replaces serine, which is neutral and polar, with glycine, which is neutral and non-polar, at codon 829 of the SON protein (p.Ser829Gly). This variant is not present in population databases (gnomAD no frequency). This variant has not been reported in the literature in individuals affected with SON-related conditions. An algorithm developed to predict the effect of missense changes on protein structure and function (PolyPhen-2) suggests that this variant is likely to be disruptive. In summary, the available evidence is currently insufficient to determine the role of this variant in disease. Therefore, it has been classified as a Variant of Uncertain Significance.

NM_138927.4(SON):c.2485A>G (p.Ser829Gly)

Gene: SON (SON DNA and RNA binding protein; plus strand). Cytogenetic location: 21q22.11.
Variant type: single nucleotide variant.
Coding change: c.2485A>G on transcript NM_138927.4 (MANE Select); coding-DNA position 2485, A replaced by G.
Protein change: p.Ser829Gly; replaces serine 829 with glycine.
Molecular consequence: missense variant. On other transcripts: non-coding transcript variant (1), intron variant (1).
Genome position (GRCh38, 1-based): chr21:33,551,716, A>G. VCF-style: chr21-33551716-A-G. GRCh37 (hg19) VCF-style: chr21-34924022-A-G.
Other names: c.2485A>G, p.Ser829Gly (NM_001291411.2, NM_032195.3); c.244+5337A>G (NM_001291412.3); short protein forms S829G.
Identifiers: ClinVar variation 4764682 (VCV004764682.1).